The following is an entry in ClinVar:

ClinVar aggregate classification (germline): Conflicting classifications of pathogenicity. Review status: criteria provided, conflicting classifications (1 of 4 stars). 3 submissions from 3 submitters: Uncertain significance (2); Likely benign (1). Last evaluated 2025-04-08.

Conditions:
Inborn genetic diseases. Identifiers: MedGen C0950123, MeSH D030342.

Allele frequency attached by ClinVar (database versions not stated): gnomAD 0.00003; ExAC 0.00001.
gnomAD v4.1: 14 of 1,603,224 alleles (0.00087%); highest among the groups gnomAD compares: Middle Eastern, 0.022%; no homozygotes.

Submissions (3):

Women's Health and Genetics/Laboratory Corporation of America, LabCorp
Classification: Uncertain significance. Last evaluated: 2025-04-08. Review status: criteria provided, single submitter. Criteria: LabCorp Variant Classification Summary - May 2015. Collection method: clinical testing. Allele origin: germline.
Comment: Variant summary: PKD1 c.7741G>A (p.Ala2581Thr) results in a non-conservative amino acid change located in the REJ domain (IPR014010) of the encoded protein sequence. Three of four in-silico tools predict a benign effect of the variant on protein function. The variant allele was found at a frequency of 1.7e-05 in 237948 control chromosomes. The available data on variant occurrences in the general population are insufficient to allow any conclusion about variant significance. To our knowledge, no occurrence of c.7741G>A in individuals affected with PKD1-Biallelic Autosomal Recessive Polycystic Kidney Disease and no experimental evidence demonstrating its impact on protein function have been reported. ClinVar contains an entry for this variant (Variation ID: 3213516). Based on the evidence outlined above, the variant was classified as uncertain significance.

Ambry Genetics
Classification: Likely benign for Inborn genetic diseases. Last evaluated: 2024-01-22. Review status: criteria provided, single submitter. Criteria: Ambry Variant Classification Scheme 2023. Collection method: clinical testing. Allele origin: germline.

GeneDx
Classification: Uncertain significance. Last evaluated: 2023-10-31. Review status: criteria provided, single submitter. Criteria: GeneDx Variant Classification Process June 2021. Collection method: clinical testing. Allele origin: germline. Affected: yes.
Comment: In silico analysis supports that this missense variant does not alter protein structure/function; Has not been previously published as pathogenic or benign to our knowledge

NM_001009944.3(PKD1):c.7741G>A (p.Ala2581Thr)

Gene: PKD1 (polycystin 1, transient receptor potential channel interacting; minus strand). Cytogenetic location: 16p13.3.
Variant type: single nucleotide variant.
Coding change: c.7741G>A on transcript NM_001009944.3 (MANE Select); coding-DNA position 7741, G replaced by A.
Protein change: p.Ala2581Thr; replaces alanine 2581 with threonine.
Molecular consequence: missense variant.
Genome position (GRCh38, 1-based): chr16:2,105,987, C>T on the plus strand (G>A on the coding strand, the complement: PKD1 is on the minus strand). VCF-style: chr16-2105987-C-T. GRCh37 (hg19) VCF-style: chr16-2155988-C-T.
Other names: c.7741G>A, p.Ala2581Thr (NM_000296.4); short protein forms A2581T.
Identifiers: ClinVar variation 3213516 (VCV003213516.4), dbSNP rs773620699, ClinGen allele CA7830932.